The following is an entry in ClinVar:

NM_001374736.1(DST):c.22158+11T>C

Gene: DST (dystonin; minus strand). Cytogenetic location: 6p12.1.
Variant type: single nucleotide variant.
Coding change: c.22158+11T>C on transcript NM_001374736.1 (MANE Select); 11 bases into the intron after coding-DNA position 22158, T replaced by C.
Molecular consequence: intron variant.
Genome position (GRCh38, 1-based): chr6:56,472,048, A>G on the plus strand (T>C on the coding strand, the complement: DST is on the minus strand). VCF-style: chr6-56472048-A-G. GRCh37 (hg19) VCF-style: chr6-56336846-A-G.
Other names: c.15801+11T>C (NM_001144769.5); c.22158+11T>C (NM_001374722.1); c.22185+11T>C (NM_001374734.1); c.15387+11T>C (NM_001144770.2); c.14940+11T>C (NM_001374730.1); c.15267+11T>C (NM_001386100.1, NM_183380.4); c.21198+11T>C (NM_001374729.1); c.14289+11T>C (NM_015548.5).
Identifiers: ClinVar variation 2938223 (VCV002938223.3), dbSNP rs2533471533, ClinGen allele CA364508356.
Genomic context (GRCh38, chr6:56,472,048, plus strand): 5'-TGGCAATGGCAATGTGTTATGAGGAATGAGGGCAAATGACAATGTGGTGTTGAGGGTATG[A>G]ATTTCCAAACCTCCTCTAGTCTGTCCAAGGCATCATTGAGTTTCCTCCTTCTTTCCAACG-3'

ClinVar aggregate classification (germline): Uncertain significance (1 of 4 stars; one submission).

Conditions:
Hereditary sensory and autonomic neuropathy type 6. Also called: HSAN VI; Neuropathy, hereditary sensory and autonomic, type VI. Identifiers: Orphanet 314381, MedGen C3539003, MONDO:0013839, OMIM 614653.
Epidermolysis bullosa simplex 3, localized or generalized intermediate, with BP230 deficiency (EBS3). Also called: Epidermolysis bullosa simplex, autosomal recessive 2; Epidermolysis bullosa simplex due to BP230 deficiency. Identifiers: Orphanet 412181, MedGen C3809470, MONDO:0014180, OMIM 615425.

Submission:

Labcorp Genetics (formerly Invitae), Labcorp
Classification: Uncertain significance for Epidermolysis bullosa simplex 3, localized or generalized intermediate, with BP230 deficiency; Hereditary sensory and autonomic neuropathy type 6. Last evaluated: 2023-06-24. Review status: criteria provided, single submitter. Criteria: Invitae Variant Classification Sherloc (09022015). Collection method: clinical testing. Allele origin: germline.
Comment: The DST gene has multiple clinically relevant transcripts. This variant occurs in alternate transcript NM_015548.4, and corresponds to NM_001723.5:c.*143469T>C in the primary transcript. This sequence change falls in intron 75 of the DST gene. It does not directly change the encoded amino acid sequence of the DST protein. This variant is not present in population databases (gnomAD no frequency). This variant has not been reported in the literature in individuals affected with DST-related conditions. Experimental studies and prediction algorithms are not available or were not evaluated, and the effect of this variant on mRNA splicing is currently unknown. In summary, the available evidence is currently insufficient to determine the role of this variant in disease. Therefore, it has been classified as a Variant of Uncertain Significance.